The following is an entry in ClinVar:

NM_001378615.1(CC2D2A):c.4496+5C>T

Genes: CC2D2A (coiled-coil and C2 domain containing 2A; plus strand), FBXL5 (F-box and leucine rich repeat protein 5; minus strand). Cytogenetic location: 4p15.32.
Variant type: single nucleotide variant.
Coding change: c.4496+5C>T on transcript NM_001378615.1 (MANE Select); 5 bases into the intron after coding-DNA position 4496, C replaced by T.
Molecular consequence: intron variant.
Genome position (GRCh38, 1-based): chr4:15,597,470, C>T. VCF-style: chr4-15597470-C-T. GRCh37 (hg19) VCF-style: chr4-15599093-C-T.
Other names: c.4496+5C>T (NM_001080522.2); c.4349+5C>T (NM_001378617.1).
Identifiers: ClinVar variation 1002738 (VCV001002738.7), dbSNP rs1721369264, ClinGen allele CA1440710555.

ClinVar aggregate classification (germline): Uncertain significance (1 of 4 stars; one submission).

Conditions:
Joubert syndrome. Also called: JOUBERT-BOLTSHAUSER SYNDROME; Familial aplasia of the vermis. Identifiers: Orphanet 475, MedGen C5979921, MONDO:0018772.
Meckel-Gruber syndrome. Also called: Dysencephalia splachnocystica; DYSENCEPHALIA SPLANCHNOCYSTICA; GRUBER SYNDROME. Identifiers: Orphanet 564, MedGen C0265215, MONDO:0018921.

Submission:

Labcorp Genetics (formerly Invitae), Labcorp
Classification: Uncertain significance for Joubert syndrome; Meckel-Gruber syndrome. Last evaluated: 2020-09-24. Review status: criteria provided, single submitter. Criteria: Invitae Variant Classification Sherloc (09022015). Collection method: clinical testing. Allele origin: germline.
Comment: This sequence change falls in intron 36 of the CC2D2A gene. It does not directly change the encoded amino acid sequence of the CC2D2A protein, but it affects a nucleotide within the consensus splice site of the intron. This variant is not present in population databases (ExAC no frequency). This variant has not been reported in the literature in individuals with CC2D2A-related conditions. Nucleotide substitutions within the consensus splice site are a relatively common cause of aberrant splicing (PMID: 17576681, 9536098). Algorithms developed to predict the effect of sequence changes on RNA splicing suggest that this variant is not likely to affect RNA splicing, but this prediction has not been confirmed by published transcriptional studies. In summary, the available evidence is currently insufficient to determine the role of this variant in disease. Therefore, it has been classified as a Variant of Uncertain Significance.

Literature cited by the submitters: PubMed 17576681; PubMed 9536098.